The following is an entry in ClinVar:

ClinVar aggregate classification (germline): Uncertain significance. Review status: criteria provided, multiple submitters, no conflicts (2 of 4 stars). 2 submissions from 2 submitters: Uncertain significance (2). Last evaluated 2024-08-19.

Conditions:
Inborn genetic diseases. Identifiers: MedGen C0950123, MeSH D030342.

Submissions (2):

Women's Health and Genetics/Laboratory Corporation of America, LabCorp
Classification: Uncertain significance. Last evaluated: 2024-08-19. Review status: criteria provided, single submitter. Criteria: LabCorp Variant Classification Summary - May 2015. Collection method: clinical testing. Allele origin: germline.
Comment: Variant summary: NPC1 c.382G>C (p.Asp128His) results in a non-conservative amino acid change located in the Niemann-Pick C1, N-terminal domain (IPR032190) of the encoded protein sequence. Four of five in-silico tools predict a benign effect of the variant on protein function. The variant was absent in 251370 control chromosomes. The available data on variant occurrences in the general population are insufficient to allow any conclusion about variant significance. c.382G>C has been reported in the literature in the compound heterozygous state with a benign variant in at least 1 individual affected with some clinical features of Niemann-Pick Disease Type C (example, Fu_2021), however the authors suggest a different diagnosis, and the genotype is insufficient for NPC1-related conditions. These report(s) do not provide unequivocal conclusions about association of the variant with Niemann-Pick Disease Type C. To our knowledge, no experimental evidence demonstrating an impact on protein function has been reported. ClinVar contains an entry for this variant (Variation ID: 2229972). Based on the evidence outlined above, the variant was classified as uncertain significance.

Ambry Genetics
Classification: Uncertain significance for Inborn genetic diseases. Last evaluated: 2021-04-20. Review status: criteria provided, single submitter. Criteria: Ambry Variant Classification Scheme 2023. Collection method: clinical testing. Allele origin: germline.

Literature cited by the submitters: PubMed 33727856 (cited by Women's Health and Genetics/Laboratory Corporation of America, LabCorp).

NM_000271.5(NPC1):c.382G>C (p.Asp128His)

Gene: NPC1 (NPC intracellular cholesterol transporter 1; minus strand). Cytogenetic location: 18q11.2.
Variant type: single nucleotide variant.
Coding change: c.382G>C on transcript NM_000271.5 (MANE Select); coding-DNA position 382, G replaced by C.
Protein change: p.Asp128His; replaces aspartic acid 128 with histidine.
Molecular consequence: missense variant.
Genome position (GRCh38, 1-based): chr18:23,568,904, C>G on the plus strand (G>C on the coding strand, the complement: NPC1 is on the minus strand). VCF-style: chr18-23568904-C-G. GRCh37 (hg19) VCF-style: chr18-21148868-C-G.
Other names: short protein forms D128H.
Identifiers: ClinVar variation 2229972 (VCV002229972.3), dbSNP rs868224237, ClinGen allele CA401785297.